The following is an entry in ClinVar:

ClinVar aggregate classification (germline): Conflicting classifications of pathogenicity. Review status: criteria provided, conflicting classifications (1 of 4 stars). 2 submissions from 2 submitters: Uncertain significance (1); Likely benign (1). Last evaluated 2023-11-22.

Conditions:
Brugada syndrome 6 (BRGDA6). Identifiers: Orphanet 130, MedGen C2751089, MONDO:0013145, OMIM 613119.
Cardiovascular phenotype. Identifiers: MedGen CN230736.

Allele frequency attached by ClinVar (database versions not stated): gnomAD exomes below 0.00001; ExAC 0.00002; TOPMed 0.00003; gnomAD 0.00004.
gnomAD v4.1: 8 of 1,614,080 alleles (0.0005%); highest among the groups gnomAD compares: African/African-American, 0.008%; no homozygotes.

Submissions (2):

Ambry Genetics
Classification: Likely benign for Cardiovascular phenotype. Last evaluated: 2023-11-22. Review status: criteria provided, single submitter. Criteria: Ambry Variant Classification Scheme 2023. Collection method: clinical testing. Allele origin: germline.

Labcorp Genetics (formerly Invitae), Labcorp
Classification: Uncertain significance for Brugada syndrome 6. Last evaluated: 2023-02-26. Review status: criteria provided, single submitter. Criteria: Invitae Variant Classification Sherloc (09022015). Collection method: clinical testing. Allele origin: germline.
Comment: This sequence change replaces methionine, which is neutral and non-polar, with isoleucine, which is neutral and non-polar, at codon 65 of the KCNE3 protein (p.Met65Ile). This variant is present in population databases (rs778413540, gnomAD 0.03%). This variant has not been reported in the literature in individuals affected with KCNE3-related conditions. ClinVar contains an entry for this variant (Variation ID: 1783395). An algorithm developed to predict the effect of missense changes on protein structure and function (PolyPhen-2) suggests that this variant is likely to be disruptive. In summary, the available evidence is currently insufficient to determine the role of this variant in disease. Therefore, it has been classified as a Variant of Uncertain Significance.

NM_005472.5(KCNE3):c.195G>A (p.Met65Ile)

Gene: KCNE3 (potassium voltage-gated channel subfamily E regulatory subunit 3; minus strand). Cytogenetic location: 11q13.4.
Variant type: single nucleotide variant.
Coding change: c.195G>A on transcript NM_005472.5 (MANE Select); coding-DNA position 195, G replaced by A.
Protein change: p.Met65Ile; replaces methionine 65 with isoleucine.
Molecular consequence: missense variant.
Genome position (GRCh38, 1-based): chr11:74,457,369, C>T on the plus strand (G>A on the coding strand, the complement: KCNE3 is on the minus strand). VCF-style: chr11-74457369-C-T. GRCh37 (hg19) VCF-style: chr11-74168414-C-T.
Other names: short protein forms M65I.
Identifiers: ClinVar variation 1783395 (VCV001783395.5), dbSNP rs778413540, ClinGen allele CA6184834.